The following is an entry in ClinVar:

ClinVar aggregate classification (germline): Likely benign. Review status: criteria provided, multiple submitters, no conflicts (2 of 4 stars). 2 submissions from 2 submitters: Likely benign (2). Last evaluated 2018-06-14.

Allele frequency attached by ClinVar (database versions not stated): gnomAD exomes 0.00244; gnomAD 0.01053 and 0.01107; TOPMed 0.01218; 1000 Genomes Project 0.01418; 1000 Genomes Project 30x 0.01421.
gnomAD v4.1: 3,399 of 848,626 alleles (0.4%); highest among the groups gnomAD compares: African/African-American, 3.4%; 47 homozygotes.

Submissions (2):

GeneDx
Classification: Likely benign. Last evaluated: 2018-06-14. Review status: criteria provided, single submitter. Criteria: GeneDx Variant Classification (06012015). Collection method: clinical testing. Allele origin: germline. Affected: yes.
Comment: This variant is considered likely benign or benign based on one or more of the following criteria: it is a conservative change, it occurs at a poorly conserved position in the protein, it is predicted to be benign by multiple in silico algorithms, and/or has population frequency not consistent with disease.

Breakthrough Genomics
Classification: Likely benign. Review status: criteria provided, single submitter. Criteria: ACMG Guidelines, 2015. Collection method: not provided. Allele origin: germline. Inheritance: Autosomal dominant inheritance. Affected: yes.

NM_001276345.2(TNNT2):c.490-127C>T

Gene: TNNT2 (troponin T2, cardiac type; minus strand). Cytogenetic location: 1q32.1.
Variant type: single nucleotide variant.
Coding change: c.490-127C>T on transcript NM_001276345.2 (MANE Select); 127 bases into the intron before coding-DNA position 490, C replaced by T.
Molecular consequence: intron variant.
Genome position (GRCh38, 1-based): chr1:201,363,533, G>A on the plus strand (C>T on the coding strand, the complement: TNNT2 is on the minus strand). VCF-style: chr1-201363533-G-A. GRCh37 (hg19) VCF-style: chr1-201332661-G-A.
Other names: c.445-127C>T (NM_001001432.3); c.460-127C>T (NM_001001431.3, NM_001001430.3, NM_001276347.2); c.370-127C>T (NM_001276346.2); c.490-127C>T (NM_000364.4).
Identifiers: ClinVar variation 674372 (VCV000674372.2), dbSNP rs3730236, ClinGen allele CA35421773.